The following is an entry in ClinVar:

ClinVar aggregate classification (germline): Likely benign (1 of 4 stars; one submission).

Allele frequency attached by ClinVar (database versions not stated): TOPMed 0.00101; gnomAD 0.00113; 1000 Genomes Project 30x 0.00609; 1000 Genomes Project 0.00739.
gnomAD v4.1: 171 of 151,768 alleles (0.11%); highest among the groups gnomAD compares: South Asian, 1.5%; 2 homozygotes.

Submission:

CeGaT Center for Human Genetics Tuebingen
Classification: Likely benign. Last evaluated: 2022-12-01. Review status: criteria provided, single submitter. Criteria: CeGaT Center For Human Genetics Tuebingen Variant Classification Criteria Version 2. Collection method: clinical testing. Allele origin: germline. Affected: yes. Observed: 1 variant allele.
Comment: NPHP1: BS1

NM_001128178.3(NPHP1):c.1083+3657G>A

Gene: NPHP1 (nephrocystin 1; minus strand). Cytogenetic location: 2q13.
Variant type: single nucleotide variant.
Coding change: c.1083+3657G>A on transcript NM_001128178.3 (MANE Select); 3657 bases into the intron after coding-DNA position 1083, G replaced by A.
Molecular consequence: intron variant.
Genome position (GRCh38, 1-based): chr2:110,156,470, C>T on the plus strand (G>A on the coding strand, the complement: NPHP1 is on the minus strand). VCF-style: chr2-110156470-C-T. GRCh37 (hg19) VCF-style: chr2-110914047-C-T.
Other names: c.894+3657G>A (NM_001128179.3); c.1080+3657G>A (NM_001374256.1); c.1083+3657G>A (NM_001374257.1); c.1248+3657G>A (NM_207181.4); c.1251+3657G>A (NM_000272.5).
Identifiers: ClinVar variation 2651265 (VCV002651265.24), dbSNP rs138475691, ClinGen allele CA53543624.